The following is an entry in ClinVar:

NM_006086.4(TUBB3):c.657G>A (p.Thr219=)

Gene: TUBB3 (tubulin beta 3 class III; plus strand). Cytogenetic location: 16q24.3.
Variant type: single nucleotide variant.
Coding change: c.657G>A on transcript NM_006086.4 (MANE Select); coding-DNA position 657, G replaced by A.
Protein change: p.Thr219=; no amino-acid change (threonine 219 retained).
Molecular consequence: synonymous variant.
Genome position (GRCh38, 1-based): chr16:89,935,108, G>A. VCF-style: chr16-89935108-G-A. GRCh37 (hg19) VCF-style: chr16-90001516-G-A.
Other names: c.441G>A, p.Thr147= (NM_001197181.2).
Identifiers: ClinVar variation 740615 (VCV000740615.28), dbSNP rs778395569, ClinGen allele CA8256145.

ClinVar aggregate classification (germline): Likely benign. Review status: criteria provided, multiple submitters, no conflicts (2 of 4 stars). 2 submissions from 2 submitters: Likely benign (2). Last evaluated 2025-02-12.

Allele frequency attached by ClinVar (database versions not stated): ExAC 0.00001; gnomAD exomes 0.00002.
gnomAD v4.1: 34 of 1,614,028 alleles (0.0021%); highest among the groups gnomAD compares: South Asian, 0.021%; no homozygotes.

Submissions (2):

Labcorp Genetics (formerly Invitae), Labcorp
Classification: Likely benign. Last evaluated: 2025-02-12. Review status: criteria provided, single submitter. Criteria: Invitae Variant Classification Sherloc (09022015). Collection method: clinical testing. Allele origin: germline.

CeGaT Center for Human Genetics Tuebingen
Classification: Likely benign. Last evaluated: 2022-05-01. Review status: criteria provided, single submitter. Criteria: CeGaT Center For Human Genetics Tuebingen Variant Classification Criteria Version 2. Collection method: clinical testing. Allele origin: germline. Affected: yes. Observed: 1 variant allele.
Comment: TUBB3: BP4, BP7